The following is an entry in ClinVar:

ClinVar aggregate classification (germline): Uncertain significance (1 of 4 stars; one submission).

Conditions:
Hereditary cancer-predisposing syndrome. Also called: Neoplastic Syndromes, Hereditary; Tumor predisposition; Hereditary Cancer Syndrome; Hereditary neoplastic syndrome. Identifiers: Orphanet 140162, MedGen C0027672, MeSH D009386, MONDO:0015356.

Submission:

Color Diagnostics, LLC DBA Color Health
Classification: Uncertain significance for Hereditary cancer-predisposing syndrome. Last evaluated: 2022-03-01. Review status: criteria provided, single submitter. Criteria: ACMG Guidelines, 2015. Collection method: clinical testing. Allele origin: germline.
Comment: This missense variant replaces serine with phenylalanine at codon 2442 of the BRCA2 protein. Computational prediction suggests that this variant may not impact protein structure and function (internally defined REVEL score threshold <= 0.5, PMID: 27666373). To our knowledge, functional studies have not been reported for this variant. This variant has not been reported in individuals affected with hereditary cancer in the literature. This variant has not been identified in the general population by the Genome Aggregation Database (gnomAD). The available evidence is insufficient to determine the role of this variant in disease conclusively. Therefore, this variant is classified as a Variant of Uncertain Significance.

NM_000059.4(BRCA2):c.7325C>T (p.Ser2442Phe)

Gene: BRCA2 (BRCA2 DNA repair associated; plus strand). Cytogenetic location: 13q13.1.
Variant type: single nucleotide variant.
Coding change: c.7325C>T on transcript NM_000059.4 (MANE Select); coding-DNA position 7325, C replaced by T.
Protein change: p.Ser2442Phe; replaces serine 2442 with phenylalanine.
Molecular consequence: missense variant. On other transcripts: non-coding transcript variant (1).
Genome position (GRCh38, 1-based): chr13:32,355,178, C>T. VCF-style: chr13-32355178-C-T. GRCh37 (hg19) VCF-style: chr13-32929315-C-T.
Other names: c.7229C>T, p.Ser2410Phe (NM_001406719.1); c.7325C>T, p.Ser2442Phe (NM_001406720.1); c.2393C>T, p.Ser798Phe (NM_001406721.1); c.908C>T, p.Ser303Phe (NM_001406722.1); short protein forms S2442F, S303F, S2410F, S798F.
Identifiers: ClinVar variation 2774941 (VCV002774941.2), dbSNP rs2137558041, ClinGen allele CA387741137.
Genomic context (GRCh38, chr13:32,355,178, plus strand): 5'-GTGTTAGGAATATTAACTTGGAGGAAAACAGACAAAAGCAAAACATTGATGGACATGGCT[C>T]TGATGATAGTAAAAATAAGATTAATGACAATGAGATTCATCAGTTTAACAAAAACAACTC-3'
Protein context (NP_000050.3, residues 2432-2452): RQKQNIDGHG[Ser2442Phe]DDSKNKINDN